The following is an entry in ClinVar:

NM_001346754.2(PIGW):c.1478T>C (p.Val493Ala)

Genes: MYO19 (myosin XIX; minus strand), PIGW (phosphatidylinositol glycan anchor biosynthesis class W; plus strand). Cytogenetic location: 17q12.
Variant type: single nucleotide variant.
Coding change: c.1478T>C on transcript NM_001346754.2 (MANE Select); coding-DNA position 1478, T replaced by C.
Protein change: p.Val493Ala; replaces valine 493 with alanine.
Molecular consequence: missense variant.
Genome position (GRCh38, 1-based): chr17:36,538,579, T>C. VCF-style: chr17-36538579-T-C. GRCh37 (hg19) VCF-style: chr17-34894428-T-C.
Other names: c.1478T>C, p.Val493Ala (NM_001346755.2, NM_178517.5); short protein forms V493A.
Identifiers: ClinVar variation 1378351 (VCV001378351.4), dbSNP rs144246473, ClinGen allele CA290116901.

ClinVar aggregate classification (germline): Uncertain significance (1 of 4 stars; one submission).

Conditions:
Hyperphosphatasia with intellectual disability syndrome 5 (GPIBD11). Also called: GLYCOSYLPHOSPHATIDYLINOSITOL BIOSYNTHESIS DEFECT 11. Identifiers: Orphanet 247262, MedGen C4014958, MONDO:0014457, OMIM 616025.

Allele frequency attached by ClinVar (database versions not stated): TOPMed 0.00011; ESP Exome Variant Server 0.00015; gnomAD 0.00016; gnomAD exomes 0.00016; ExAC 0.00017.
gnomAD v4.1: 254 of 1,612,808 alleles (0.016%); highest among the groups gnomAD compares: Non-Finnish European, 0.02%; no homozygotes.

Submission:

Labcorp Genetics (formerly Invitae), Labcorp
Classification: Uncertain significance for Hyperphosphatasia with intellectual disability syndrome 5. Last evaluated: 2025-01-27. Review status: criteria provided, single submitter. Criteria: Invitae Variant Classification Sherloc (09022015). Collection method: clinical testing. Allele origin: germline.
Comment: This sequence change replaces valine, which is neutral and non-polar, with alanine, which is neutral and non-polar, at codon 493 of the PIGW protein (p.Val493Ala). This variant is present in population databases (rs144246473, gnomAD 0.02%). This variant has not been reported in the literature in individuals affected with PIGW-related conditions. ClinVar contains an entry for this variant (Variation ID: 1378351). Invitae Evidence Modeling of protein sequence and biophysical properties (such as structural, functional, and spatial information, amino acid conservation, physicochemical variation, residue mobility, and thermodynamic stability) indicates that this missense variant is not expected to disrupt PIGW protein function with a negative predictive value of 80%. In summary, the available evidence is currently insufficient to determine the role of this variant in disease. Therefore, it has been classified as a Variant of Uncertain Significance.